The following is an entry in ClinVar:

NM_002430.3(MN1):c.2672G>A (p.Gly891Glu)

Gene: MN1 (MN1 proto-oncogene, transcriptional regulator; minus strand). Cytogenetic location: 22q12.1.
Variant type: single nucleotide variant.
Coding change: c.2672G>A on transcript NM_002430.3 (MANE Select); coding-DNA position 2672, G replaced by A.
Protein change: p.Gly891Glu; replaces glycine 891 with glutamic acid.
Molecular consequence: missense variant.
Genome position (GRCh38, 1-based): chr22:27,797,872, C>T on the plus strand (G>A on the coding strand, the complement: MN1 is on the minus strand). VCF-style: chr22-27797872-C-T. GRCh37 (hg19) VCF-style: chr22-28193860-C-T.
Other names: short protein forms G891E.
Identifiers: ClinVar variation 4848697 (VCV004848697.1).
Genomic context (GRCh38, chr22:27,797,872, plus strand): 5'-GCTGGAGGGTTGGGCGGCCCCGAGGCTTTGGAGCCGCTGCTACTGGTCCCGGACGGGCCT[C>T]CGGGTCCTGGGGCCCCAGGAGCAGTCCCTCCTGGGAAGTAATCCGAGCCCGGGTTGCCGG-3'
Protein context (NP_002421.3, residues 881-901): GGTAPGAPGP[Gly891Glu]GPSGTSSSGS

ClinVar aggregate classification (germline): Uncertain significance (1 of 4 stars; one submission).

gnomAD v4.1: 1 of 1,590,560 alleles (0.000063%); highest among the groups gnomAD compares: Non-Finnish European, 0.000086%; no homozygotes.

Submission:

Women's Health and Genetics/Laboratory Corporation of America, LabCorp
Classification: Uncertain significance. Last evaluated: 2026-04-10. Review status: criteria provided, single submitter. Criteria: LabCorp Variant Classification Summary - May 2015. Collection method: clinical testing. Allele origin: germline.
Comment: Variant summary: MN1 c.2672G>A (p.Gly891Glu) results in a non-conservative amino acid change in the encoded protein sequence. Algorithms developed to predict the effect of missense changes on protein structure and function are either unavailable or do not agree on the potential impact of this missense change. The variant was absent in 228378 control chromosomes. The available data on variant occurrences in the general population are insufficient to allow any conclusion about variant significance. To our knowledge, no occurrence of c.2672G>A in individuals affected with MN1-related conditions and no experimental evidence demonstrating its impact on protein function have been reported. No submitters have cited clinical-significance assessments for this variant to ClinVar. Based on the evidence outlined above, the variant was classified as uncertain significance.